The following is an entry in ClinVar:

NM_004329.3(BMPR1A):c.412C>G (p.Leu138Val)

Gene: BMPR1A (bone morphogenetic protein receptor type 1A; plus strand). Cytogenetic location: 10q23.2.
Variant type: single nucleotide variant.
Coding change: c.412C>G on transcript NM_004329.3 (MANE Select); coding-DNA position 412, C replaced by G.
Protein change: p.Leu138Val; replaces leucine 138 with valine.
Molecular consequence: missense variant. On other transcripts: non-coding transcript variant (3), intron variant (1).
Genome position (GRCh38, 1-based): chr10:86,899,872, C>G. VCF-style: chr10-86899872-C-G. GRCh37 (hg19) VCF-style: chr10-88659629-C-G.
Other names: c.412C>G, p.Leu138Val (NM_001406561.1, NM_001406562.1, NM_001406563.1 and 22 more transcripts); c.328C>G, p.Leu110Val (NM_001406584.1, NM_001406585.1, NM_001406586.1 and 2 more transcripts); c.333+7643C>G (NM_001406589.1); short protein forms L110V, L138V.
Identifiers: ClinVar variation 5033011 (VCV005033011.1).

ClinVar aggregate classification (germline): Uncertain significance (1 of 4 stars; one submission).

Conditions:
Hereditary cancer-predisposing syndrome. Also called: Neoplastic Syndromes, Hereditary; Tumor predisposition; Hereditary neoplastic syndrome; Hereditary Cancer Syndrome. Identifiers: Orphanet 140162, MedGen C0027672, MeSH D009386, MONDO:0015356.

Submission:

Ambry Genetics
Classification: Uncertain significance for Hereditary cancer-predisposing syndrome. Last evaluated: 2026-07-07. Review status: criteria provided, single submitter. Criteria: Ambry Variant Classification Scheme 2023. Collection method: clinical testing. Allele origin: germline.
Comment: The p.L138V variant (also known as c.412C>G), located in coding exon 4 of the BMPR1A gene, results from a C to G substitution at nucleotide position 412. The leucine at codon 138 is replaced by valine, an amino acid with highly similar properties. This amino acid position is conserved. In addition, the in silico prediction for this alteration is inconclusive. Based on the available evidence, the clinical significance of this variant remains unclear.